The following is an entry in ClinVar:

ClinVar aggregate classification (germline): Uncertain significance (1 of 4 stars; one submission).

Conditions:
Bloom syndrome (BLM). Also called: Bloom-Torre-Machacek syndrome. Identifiers: Orphanet 125, MedGen C0005859, MONDO:0008876, OMIM 210900.

Submission:

Labcorp Genetics (formerly Invitae), Labcorp
Classification: Uncertain significance for Bloom syndrome. Last evaluated: 2025-11-04. Review status: criteria provided, single submitter. Criteria: Invitae Variant Classification Sherloc (09022015). Collection method: clinical testing. Allele origin: germline.
Comment: This sequence change replaces cysteine, which is neutral and slightly polar, with tyrosine, which is neutral and polar, at codon 120 of the BLM protein (p.Cys120Tyr). This variant is not present in population databases (gnomAD no frequency). This variant has not been reported in the literature in individuals affected with BLM-related conditions. An algorithm developed to predict the effect of missense changes on protein structure and function outputs the following: PolyPhen-2: "Benign". The tyrosine amino acid residue is found in multiple mammalian species, which suggests that this missense change does not adversely affect protein function. In summary, the available evidence is currently insufficient to determine the role of this variant in disease. Therefore, it has been classified as a Variant of Uncertain Significance.

NM_000057.4(BLM):c.359G>A (p.Cys120Tyr)

Gene: BLM (BLM RecQ like helicase; plus strand). Cytogenetic location: 15q26.1.
Variant type: single nucleotide variant.
Coding change: c.359G>A on transcript NM_000057.4 (MANE Select); coding-DNA position 359, G replaced by A.
Protein change: p.Cys120Tyr; replaces cysteine 120 with tyrosine.
Molecular consequence: missense variant. On other transcripts: 5 prime UTR variant (1).
Genome position (GRCh38, 1-based): chr15:90,749,627, G>A. VCF-style: chr15-90749627-G-A. GRCh37 (hg19) VCF-style: chr15-91292857-G-A.
Other names: c.359G>A, p.Cys120Tyr (NM_001287246.2, NM_001287247.2); c.-933G>A (NM_001287248.2); short protein forms C120Y.
Identifiers: ClinVar variation 4730482 (VCV004730482.1).
Genomic context (GRCh38, chr15:90,749,627, plus strand): 5'-AGAGAGGTGGATCAAAATCATTATTGCCAGATTTCTTGCAGACTCCGAAGGAAGTTGTAT[G>A]CACTACCCAAAACACACCAACTGTAAAGAAATCCCGGGATACTGCTCTCAAGAAATTAGA-3'
Protein context (NP_000048.1, residues 110-130): DFLQTPKEVV[Cys120Tyr]TTQNTPTVKK